The following is an entry in ClinVar:

NM_001161352.2(KCNMA1):c.2096A>G (p.Lys699Arg)

Gene: KCNMA1 (potassium calcium-activated channel subfamily M alpha 1; minus strand). Cytogenetic location: 10q22.3.
Variant type: single nucleotide variant.
Coding change: c.2096A>G on transcript NM_001161352.2 (MANE Select); coding-DNA position 2096, A replaced by G.
Protein change: p.Lys699Arg; replaces lysine 699 with arginine.
Molecular consequence: missense variant. On other transcripts: intron variant (13).
Genome position (GRCh38, 1-based): chr10:77,001,577, T>C on the plus strand (A>G on the coding strand, the complement: KCNMA1 is on the minus strand). VCF-style: chr10-77001577-T-C. GRCh37 (hg19) VCF-style: chr10-78761335-T-C.
Other names: c.1942+10390A>G (NM_001271518.2); c.2092+10390A>G (NM_001322832.2, NM_001410940.1, NM_002247.4 and 1 more transcripts); c.2101+6608A>G (NM_001322829.2, NM_001322836.2, NM_001271519.2); c.2104+10390A>G (NM_001014797.3, NM_001322835.2, NM_001322837.2); c.2113+6608A>G (NM_001322830.2); c.1552+10390A>G (NM_001322838.2); short protein forms K699R.
Identifiers: ClinVar variation 3391373 (VCV003391373.1).

ClinVar aggregate classification (germline): Uncertain significance (1 of 4 stars; one submission).

Conditions:
Generalized epilepsy-paroxysmal dyskinesia syndrome (PNKD3). Also called: Generalized epilepsy and paroxysmal dyskinesia; Paroxysmal nonkinesigenic dyskinesia, 3, with or without generalized epilepsy. Identifiers: Orphanet 79137, MedGen C5574945, MONDO:0012276, OMIM 609446.

Submission:

Neuberg Centre For Genomic Medicine, NCGM
Classification: Uncertain significance for Generalized epilepsy-paroxysmal dyskinesia syndrome. Review status: criteria provided, single submitter. Criteria: ACMG Guidelines, 2015. Collection method: clinical testing. Allele origin: germline. Affected: yes.
Comment: The missense c.2096A>G p.Lys699Arg variant in KCNMA1 gene has not been reported previously as a pathogenic variant nor as a benign variant, to our knowledge. The p.Lys699Arg variant is absent in gnomAD Exomes. This variant has not been submitted to the ClinVar database. Computational evidence Polyphen - Benign, SIFT - Tolerated and MutationTaster - Disease causing predicts conflicting evidence on protein structure and function for this variant. The reference amino acid at this position in KCNMA1 is predicted as conserved by GERP++ and PhyloP across 100 vertebrates. The amino acid Lys at position 699 is changed to a Arg changing protein sequence and it might alter its composition and physico-chemical properties. For these reasons, this variant has been classified as a Variant of Uncertain Significance VUS.